The following is an entry in ClinVar:

ClinVar aggregate classification (germline): Conflicting classifications of pathogenicity. Review status: criteria provided, conflicting classifications (1 of 4 stars). 10 submissions from 10 submitters: Uncertain significance (8); Likely benign (1). 1 of the submissions does not count toward it. Last evaluated 2025-12-29.

Conditions:
Hereditary nonpolyposis colorectal neoplasms. Identifiers: MedGen C0009405, MeSH D003123.
Hereditary cancer-predisposing syndrome. Also called: Tumor predisposition; Hereditary neoplastic syndrome; Neoplastic Syndromes, Hereditary; Hereditary Cancer Syndrome. Identifiers: Orphanet 140162, MedGen C0027672, MeSH D009386, MONDO:0015356.
Lynch syndrome. Identifiers: Orphanet 144, MedGen C4552100, MONDO:0005835. Disease mechanism: loss of function.
Lynch syndrome 4 (LYNCH4). Also called: Colorectal cancer, hereditary nonpolyposis, type 4; Hereditary non-polyposis colorectal cancer, type 4. Identifiers: Orphanet 144, MedGen C1838333, MONDO:0013699, OMIM 614337. Disease mechanism: loss of function.
PMS2-related disorder. Also called: PMS2-related condition.

Allele frequency attached by ClinVar (database versions not stated): gnomAD 0.00001; gnomAD exomes 0.00002 and 0.00004; ExAC 0.00004; 1000 Genomes Project 30x 0.00016; 1000 Genomes Project 0.00020.
gnomAD v4.1: 28 of 1,613,660 alleles (0.0017%); highest among the groups gnomAD compares: South Asian, 0.022%; no homozygotes.

Submissions (10):

Center for Genomic Medicine, Rigshospitalet, Copenhagen University Hospital
Classification: Uncertain significance. Last evaluated: 2025-12-29. Review status: criteria provided, single submitter. Criteria: ACMG Guidelines, 2015. Collection method: clinical testing. Allele origin: germline.
Comment: Classification criteria: BS1

Labcorp Genetics (formerly Invitae), Labcorp
Classification: Uncertain significance for Hereditary nonpolyposis colorectal neoplasms. Last evaluated: 2025-12-15. Review status: criteria provided, single submitter. Criteria: Invitae Variant Classification Sherloc (09022015). Collection method: clinical testing. Allele origin: germline.
Comment: This sequence change replaces arginine, which is basic and polar, with tryptophan, which is neutral and slightly polar, at codon 294 of the PMS2 protein (p.Arg294Trp). This variant is present in population databases (rs563433235, gnomAD 0.03%). This missense change has been observed in individual(s) with breast and/or ovarian cancer (PMID: 29470806, 35449176, 36200007). ClinVar contains an entry for this variant (Variation ID: 127799). Invitae Evidence Modeling incorporating data from in vitro experimental studies (internal data) indicates that this missense variant is not expected to disrupt PMS2 function with a negative predictive value of 95%. In summary, the available evidence is currently insufficient to determine the role of this variant in disease. Therefore, it has been classified as a Variant of Uncertain Significance.

Ambry Genetics
Classification: Uncertain significance for Hereditary cancer-predisposing syndrome. Last evaluated: 2025-10-01. Review status: criteria provided, single submitter. Criteria: Ambry Variant Classification Scheme 2023. Collection method: clinical testing. Allele origin: germline.
Comment: The p.R294W variant (also known as c.880C>T), located in coding exon 8 of the PMS2 gene, results from a C to T substitution at nucleotide position 880. The arginine at codon 294 is replaced by tryptophan, an amino acid with dissimilar properties. This alteration was identified in multiple individuals diagnosed with breast and/or ovarian cancer (Singh J et al. Breast Cancer Res Treat, 2018 Jul;170:189-196; Mittal A et al. Ecancermedicalscience, 2022 Aug;16:1434). This amino acid position is not well conserved in available vertebrate species. In addition, the in silico prediction for this alteration is inconclusive. Since supporting evidence is limited at this time, the clinical significance of this alteration remains unclear.

Color Diagnostics, LLC DBA Color Health
Classification: Uncertain significance for Hereditary cancer-predisposing syndrome. Last evaluated: 2024-08-19. Review status: criteria provided, single submitter. Criteria: ACMG Guidelines, 2015. Collection method: clinical testing. Allele origin: germline.
Comment: This missense variant replaces arginine with tryptophan at codon 294 of the PMS2 protein. Computational prediction suggests that this variant may not impact protein structure and function (internally defined REVEL score threshold <= 0.5, PMID: 27666373). To our knowledge, functional studies have not been reported for this variant. This variant has been observed in individuals affected with breast and/or ovarian cancer (PMID: 29470806, 36200007) and unaffected control individuals in a pancreatic cancer case-control study (PMID: 32980694). This variant has been identified in 12/282786 chromosomes in the general population by the Genome Aggregation Database (gnomAD). The available evidence is insufficient to determine the role of this variant in disease conclusively. Therefore, this variant is classified as a Variant of Uncertain Significance.

All of Us Research Program, National Institutes of Health
Classification: Uncertain significance for Lynch syndrome. Last evaluated: 2024-03-24. Review status: criteria provided, single submitter. Criteria: ACMG Guidelines, 2015. Collection method: clinical testing. Allele origin: germline. Inheritance: Autosomal dominant inheritance. Observed: 2 variant alleles, 2 heterozygotes.
Comment: This missense variant replaces arginine with tryptophan at codon 294 of the PMS2 protein. Computational prediction suggests that this variant may not impact protein structure and function (internally defined REVEL score threshold <= 0.5, PMID: 27666373). To our knowledge, functional studies have not been reported for this variant. This variant has been observed in an individual affected with breast and/or ovarian cancer (PMID: 29470806) and unaffected control individuals in a pancreatic cancer case-control study (PMID: 32980694). This variant has been identified in 12/282786 chromosomes in the general population by the Genome Aggregation Database (gnomAD). The available evidence is insufficient to determine the role of this variant in disease conclusively. Therefore, this variant is classified as a Variant of Uncertain Significance.

This study involves interpretation of variants in research participants for the purpose of population health screening. Participant phenotype was not available at the time of variant classification. Additional details can be found in publication PMID: 35346344, PMCID: PMC8962531

Myriad Genetics, Inc.
Classification: Likely benign for Lynch syndrome 4. Last evaluated: 2023-03-10. Review status: criteria provided, single submitter. Criteria: Myriad Autosomal Dominant, Autosomal Recessive and X-Linked Classification Criteria (2023). Collection method: clinical testing. Allele origin: unknown.
Comment: This variant is considered likely benign. Homozygosity for this variant has been confirmed in one or more individuals lacking clinical features consistent with gene-specific recessive disease, indicating that this variant is unlikely to be pathogenic.

GeneDx
Classification: Uncertain significance. Last evaluated: 2022-06-22. Review status: criteria provided, single submitter. Criteria: GeneDx Variant Classification Process June 2021. Collection method: clinical testing. Allele origin: germline. Affected: yes.
Comment: In silico analysis supports that this missense variant has a deleterious effect on protein structure/function; Observed in individuals with breast and/or ovarian cancer (Singh 2018); This variant is associated with the following publications: (PMID: 29470806, 11574484, Akbar2022[Abstract-poster])

Department of Pathology and Laboratory Medicine, Sinai Health System
Classification: Uncertain significance for Lynch syndrome. Last evaluated: 2022-06-07. Review status: criteria provided, single submitter. Criteria: ACMG Guidelines, 2015. Collection method: clinical testing. Allele origin: germline. Affected: yes.

Blueprint Genetics
Classification: Uncertain significance. Last evaluated: 2021-05-10. Review status: criteria provided, single submitter. Criteria: ACMG Guidelines, 2015. Collection method: clinical testing. Allele origin: germline.

PreventionGenetics, part of Exact Sciences
Classification: Uncertain significance for PMS2-related condition. Last evaluated: 2024-07-10. Review status: no assertion criteria provided. Collection method: clinical testing. Allele origin: germline. Not counted in ClinVar's aggregate classification.
Comment: The PMS2 c.880C>T variant is predicted to result in the amino acid substitution p.Arg294Trp. This variant has been reported in individuals with breast and/or ovarian cancer (Table S4, Singh et al. 2018. PubMed ID: 29470806; Mittal A et al. 2022. PubMed ID: 36200007). This variant is reported in 0.026% of alleles in individuals of South Asian descent in gnomAD. It has conflicting interpretations of likely benign and uncertain significance in ClinVar. At this time, the clinical significance of this variant is uncertain due to the absence of conclusive functional and genetic evidence.

Literature cited by the submitters: PubMed 29470806 (cited by 5 submitters); PubMed 35449176 (cited by Labcorp Genetics (formerly Invitae), Labcorp); PubMed 36200007 (cited by 3 submitters); PubMed 32980694 (cited by Color Diagnostics, LLC DBA Color Health and All of Us Research Program, National Institutes of Health).

NM_000535.7(PMS2):c.880C>T (p.Arg294Trp)

Gene: PMS2 (PMS1 homolog 2, mismatch repair system component; minus strand). Cytogenetic location: 7p22.1.
Variant type: single nucleotide variant.
Coding change: c.880C>T on transcript NM_000535.7 (MANE Select); coding-DNA position 880, C replaced by T.
Protein change: p.Arg294Trp; replaces arginine 294 with tryptophan.
Molecular consequence: missense variant. On other transcripts: 5 prime UTR variant (2), non-coding transcript variant (1).
Genome position (GRCh38, 1-based): chr7:5,995,557, G>A on the plus strand (C>T on the coding strand, the complement: PMS2 is on the minus strand). VCF-style: chr7-5995557-G-A. GRCh37 (hg19) VCF-style: chr7-6035188-G-A.
Other names: p.R294W:CGG>TGG; c.475C>T, p.Arg159Trp (NM_001322003.2, NM_001322004.2, NM_001322005.2 and 2 more transcripts); c.880C>T, p.Arg294Trp (NM_001322006.2, NM_001322014.2); c.562C>T, p.Arg188Trp (NM_001322007.2, NM_001322008.2); c.-54C>T (NM_001322011.2, NM_001322012.2); c.307C>T, p.Arg103Trp (NM_001322013.2); c.571C>T, p.Arg191Trp (NM_001322015.2); short protein forms R294W, R191W, R103W, R159W, R188W.
Identifiers: ClinVar variation 127799 (VCV000127799.32), dbSNP rs563433235, ClinGen allele CA013136.